The following is an entry in ClinVar:

ClinVar aggregate classification (germline): Likely benign (1 of 4 stars; one submission).

Submission:

CeGaT Center for Human Genetics Tuebingen
Classification: Likely benign. Last evaluated: 2026-05-01. Review status: criteria provided, single submitter. Criteria: CeGaT Center For Human Genetics Tuebingen Variant Classification Criteria Version 2. Collection method: clinical testing. Allele origin: germline. Affected: yes. Observed: 1 variant allele.
Comment: FZD8: BP4, BP7

NM_031866.3(FZD8):c.1062C>G (p.Gly354=)

Gene: FZD8 (frizzled class receptor 8; minus strand). Cytogenetic location: 10p11.21.
Variant type: single nucleotide variant.
Coding change: c.1062C>G on transcript NM_031866.3 (MANE Select); coding-DNA position 1062, C replaced by G.
Protein change: p.Gly354=; no amino-acid change (glycine 354 retained).
Molecular consequence: synonymous variant.
Genome position (GRCh38, 1-based): chr10:35,640,368, G>C on the plus strand (C>G on the coding strand, the complement: FZD8 is on the minus strand). VCF-style: chr10-35640368-G-C. GRCh37 (hg19) VCF-style: chr10-35929296-G-C.
Identifiers: ClinVar variation 4872484 (VCV004872484.2).